The following is an entry in ClinVar:

NM_001458.5(FLNC):c.4697C>T (p.Ala1566Val)

Gene: FLNC (filamin C; plus strand). Cytogenetic location: 7q32.1.
Variant type: single nucleotide variant.
Coding change: c.4697C>T on transcript NM_001458.5 (MANE Select); coding-DNA position 4697, C replaced by T.
Protein change: p.Ala1566Val; replaces alanine 1566 with valine.
Molecular consequence: missense variant.
Genome position (GRCh38, 1-based): chr7:128,848,677, C>T. VCF-style: chr7-128848677-C-T. GRCh37 (hg19) VCF-style: chr7-128488731-C-T.
Other names: c.4697C>T, p.Ala1566Val (NM_001127487.2); short protein forms A1566V.
Identifiers: ClinVar variation 1742501 (VCV001742501.5), dbSNP rs1808670044, ClinGen allele CA369202761.

ClinVar aggregate classification (germline): Uncertain significance. Review status: criteria provided, multiple submitters, no conflicts (2 of 4 stars). 3 submissions from 3 submitters: Uncertain significance (3). Last evaluated 2024-10-24.

Conditions:
Distal myopathy with posterior leg and anterior hand involvement. Also called: WILLIAMS DISTAL MYOPATHY. Identifiers: Orphanet 63273, MedGen C3279722, MONDO:0013550, OMIM 614065.
Hypertrophic cardiomyopathy 26. Also called: Cardiomyopathy, familial hypertrophic, 26. Identifiers: Orphanet 75249, MedGen C4310749, MONDO:0014883, OMIM 617047.
Myofibrillar myopathy 5. Also called: Filaminopathy (type); FILAMINOPATHY, AUTOSOMAL DOMINANT. Identifiers: Orphanet 171445, MedGen C1836050, MONDO:0012289, OMIM 609524.
Cardiovascular phenotype. Identifiers: MedGen CN230736.

Allele frequency attached by ClinVar (database versions not stated): gnomAD exomes below 0.00001.
gnomAD v4.1: 4 of 1,613,466 alleles (0.00025%); highest among the groups gnomAD compares: Non-Finnish European, 0.00034%; no homozygotes.

Submissions (3):

Labcorp Genetics (formerly Invitae), Labcorp
Classification: Uncertain significance for Distal myopathy with posterior leg and anterior hand involvement; Myofibrillar myopathy 5; Hypertrophic cardiomyopathy 26. Last evaluated: 2024-10-24. Review status: criteria provided, single submitter. Criteria: Invitae Variant Classification Sherloc (09022015). Collection method: clinical testing. Allele origin: germline.
Comment: This sequence change replaces alanine, which is neutral and non-polar, with valine, which is neutral and non-polar, at codon 1566 of the FLNC protein (p.Ala1566Val). This variant is not present in population databases (gnomAD no frequency). This variant has not been reported in the literature in individuals affected with FLNC-related conditions. ClinVar contains an entry for this variant (Variation ID: 1742501). Invitae Evidence Modeling of protein sequence and biophysical properties (such as structural, functional, and spatial information, amino acid conservation, physicochemical variation, residue mobility, and thermodynamic stability) has been performed for this missense variant. However, the output from this modeling did not meet the statistical confidence thresholds required to predict the impact of this variant on FLNC protein function. In summary, the available evidence is currently insufficient to determine the role of this variant in disease. Therefore, it has been classified as a Variant of Uncertain Significance.

GeneDx
Classification: Uncertain significance. Last evaluated: 2023-02-02. Review status: criteria provided, single submitter. Criteria: GeneDx Variant Classification Process June 2021. Collection method: clinical testing. Allele origin: germline. Affected: yes.
Comment: Not observed at significant frequency in large population cohorts (gnomAD); In silico analysis supports that this missense variant has a deleterious effect on protein structure/function; Has not been previously published as pathogenic or benign to our knowledge

Ambry Genetics
Classification: Uncertain significance for Cardiovascular phenotype. Last evaluated: 2021-04-20. Review status: criteria provided, single submitter. Criteria: Ambry Variant Classification Scheme 2023. Collection method: clinical testing. Allele origin: germline.
Comment: The p.A1566V variant (also known as c.4697C>T), located in coding exon 27 of the FLNC gene, results from a C to T substitution at nucleotide position 4697. The alanine at codon 1566 is replaced by valine, an amino acid with similar properties. This amino acid position is well conserved in available vertebrate species. In addition, this alteration is predicted to be deleterious by in silico analysis. Since supporting evidence is limited at this time, the clinical significance of this alteration remains unclear.